The following is an entry in ClinVar:

ClinVar aggregate classification (germline): Pathogenic (1 of 4 stars; one submission).

Submission:

Labcorp Genetics (formerly Invitae), Labcorp
Classification: Pathogenic. Last evaluated: 2023-09-20. Review status: criteria provided, single submitter. Criteria: Invitae Variant Classification Sherloc (09022015). Collection method: clinical testing. Allele origin: germline.
Comment: This sequence change replaces tyrosine, which is neutral and polar, with aspartic acid, which is acidic and polar, at codon 1858 of the ABCA4 protein (p.Tyr1858Asp). This variant is not present in population databases (gnomAD no frequency). This missense change has been observed in individual(s) with Stargardt disease (PMID: 23096905). In at least one individual the data is consistent with being in trans (on the opposite chromosome) from a pathogenic variant. Advanced modeling of protein sequence and biophysical properties (such as structural, functional, and spatial information, amino acid conservation, physicochemical variation, residue mobility, and thermodynamic stability) performed at Invitae indicates that this missense variant is expected to disrupt ABCA4 protein function. This variant disrupts the p.Tyr1858 amino acid residue in ABCA4. Other variant(s) that disrupt this residue have been determined to be pathogenic (PMID: 28446513). This suggests that this residue is clinically significant, and that variants that disrupt this residue are likely to be disease-causing. For these reasons, this variant has been classified as Pathogenic.

Literature cited by the submitters: PubMed 23096905; PubMed 28446513.

NM_000350.3(ABCA4):c.5572T>G (p.Tyr1858Asp)

Gene: ABCA4 (ATP binding cassette subfamily A member 4; minus strand). Cytogenetic location: 1p22.1.
Variant type: single nucleotide variant.
Coding change: c.5572T>G on transcript NM_000350.3 (MANE Select); coding-DNA position 5572, T replaced by G.
Protein change: p.Tyr1858Asp; replaces tyrosine 1858 with aspartic acid.
Molecular consequence: missense variant.
Genome position (GRCh38, 1-based): chr1:94,011,274, A>C on the plus strand (T>G on the coding strand, the complement: ABCA4 is on the minus strand). VCF-style: chr1-94011274-A-C. GRCh37 (hg19) VCF-style: chr1-94476830-A-C.
Other names: c.5350T>G, p.Tyr1784Asp (NM_001425324.1); short protein forms Y1784D, Y1858D.
Identifiers: ClinVar variation 2733916 (VCV002733916.3), dbSNP rs371489809, ClinGen allele CA341280991.